The following is an entry in ClinVar:

ClinVar aggregate classification (germline): Conflicting classifications of pathogenicity. Review status: criteria provided, conflicting classifications (1 of 4 stars). 11 submissions from 11 submitters: Pathogenic (1); Uncertain significance (9). 1 of the submissions does not count toward it. Last evaluated 2025-11-12.

Conditions:
Galactosylceramide beta-galactosidase deficiency. Also called: GALACTOCEREBROSIDASE DEFICIENCY; GALC DEFICIENCY; GLOBOID CELL LEUKOENCEPHALOPATHY; Krabbe Disease; Leukodystrophy, Globoid Cell. Identifiers: Orphanet 487, MedGen C0023521, MONDO:0009499, OMIM 245200.

Allele frequency attached by ClinVar (database versions not stated): gnomAD 0.00014 and 0.00015; gnomAD exomes 0.00014 and 0.00016; TOPMed 0.00014; ExAC 0.00016; ESP Exome Variant Server 0.00017.
gnomAD v4.1: 270 of 1,613,048 alleles (0.017%); highest among the groups gnomAD compares: Admixed American, 0.025%; no homozygotes.

Submissions (11):

Women's Health and Genetics/Laboratory Corporation of America, LabCorp
Classification: Uncertain significance. Last evaluated: 2025-11-12. Review status: criteria provided, single submitter. Criteria: LabCorp Variant Classification Summary - May 2015. Collection method: clinical testing. Allele origin: germline.
Comment: Variant summary: GALC c.266C>T (p.Pro89Leu) results in a non-conservative amino acid change in the encoded protein sequence. Algorithms developed to predict the effect of missense changes on protein structure and function all suggest that this variant is likely to be disruptive. Consensus agreement among computation tools predict no significant impact on normal splicing. However, these predictions have yet to be confirmed by functional studies. The variant allele was found at a frequency of 0.00014 in 249270 control chromosomes. This frequency is not significantly higher than estimated for disease-causing variants in GALC, allowing no conclusion about variant significance. c.266C>T has been reported in the literature in an infant with low GALC enzyme activity during newborn screening who carried a large deletion on the second allele (Orsini_2016). These data do not allow any conclusion about variant significance. The variant was reported to lead to around 20% residual GALC activity in an in vitro study (Saavedra-Martin_2016). The following publications have been ascertained in the context of this evaluation (PMID: 26795590, 27638593). ClinVar contains an entry for this variant (Variation ID: 449966). Based on the evidence outlined above, the variant was classified as VUS-possibly pathogenic.

Labcorp Genetics (formerly Invitae), Labcorp
Classification: Uncertain significance for Galactosylceramide beta-galactosidase deficiency. Last evaluated: 2025-10-01. Review status: criteria provided, single submitter. Criteria: Invitae Variant Classification Sherloc (09022015). Collection method: clinical testing. Allele origin: germline.
Comment: This sequence change replaces proline, which is neutral and non-polar, with leucine, which is neutral and non-polar, at codon 89 of the GALC protein (p.Pro89Leu). This variant is present in population databases (rs201422931, gnomAD 0.03%). This missense change has been observed in individual(s) with abnormal newborn screening for Krabbe disease and/or biochemical features of Krabbe disease (PMID: 26795590; internal data). In at least one individual the data is consistent with being in trans (on the opposite chromosome) from a pathogenic variant. This variant is also known as p.P73L. ClinVar contains an entry for this variant (Variation ID: 449966). An algorithm developed to predict the effect of missense changes on protein structure and function (PolyPhen-2) suggests that this variant is likely to be disruptive. Experimental studies have shown that this missense change affects GALC function (PMID: 27638593). In summary, the available evidence is currently insufficient to determine the role of this variant in disease. Therefore, it has been classified as a Variant of Uncertain Significance.

Mayo Clinic Laboratories, Mayo Clinic
Classification: Uncertain significance. Last evaluated: 2024-10-15. Review status: criteria provided, single submitter. Criteria: ACMG Guidelines, 2015. Collection method: clinical testing. Allele origin: germline. Observed: 5 variant alleles.
Comment: PP3, PM2_moderate, PM3_supporting

Blueprint Genetics
Classification: Uncertain significance. Last evaluated: 2024-06-25. Review status: criteria provided, single submitter. Criteria: ACMG Guidelines, 2015. Collection method: clinical testing. Allele origin: germline.

Revvity Omics, Revvity
Classification: Uncertain significance. Last evaluated: 2024-03-07. Review status: criteria provided, single submitter. Criteria: ACMG Guidelines, 2015. Collection method: clinical testing. Allele origin: germline.

CeGaT Center for Human Genetics Tuebingen
Classification: Uncertain significance. Last evaluated: 2023-09-01. Review status: criteria provided, single submitter. Criteria: CeGaT Center For Human Genetics Tuebingen Variant Classification Criteria Version 2. Collection method: clinical testing. Allele origin: germline. Affected: yes. Observed: 1 variant allele.
Comment: GALC: PM2, PP3, PS3:Supporting

Laboratorio de Genetica e Diagnostico Molecular, Hospital Israelita Albert Einstein
Classification: Uncertain significance. Last evaluated: 2019-03-18. Review status: criteria provided, single submitter. Criteria: ACMG Guidelines, 2015. Collection method: clinical testing. Allele origin: germline. Affected: yes.
Comment: ACMG classification criteria: PM1, PM2, PP3

Illumina Laboratory Services, Illumina
Classification: Uncertain significance for Galactosylceramide beta-galactosidase deficiency. Last evaluated: 2018-01-12. Review status: criteria provided, single submitter. Criteria: ICSL Variant Classification Criteria 13 December 2019. Collection method: clinical testing. Allele origin: germline.

GeneDx
Classification: Pathogenic. Last evaluated: 2017-11-01. Review status: criteria provided, single submitter. Criteria: GeneDx Variant Classification (06012015). Collection method: clinical testing. Allele origin: germline. Affected: yes.
Comment: The P89L variant in the GALC gene has been reported previously in several infants with low GALC activity on newborn screening, including at least one individual who was found to have a partial gene deletion on the oppositive GALC allele (in trans) (Orsini et al., 2016). The P89L variant is not observed at a significant frequency in large population cohorts (Lek et al., 2016). The P89L variant is a semi-conservative amino acid substitution, which may impact secondary protein structure as these residues differ in some properties. This substitution occurs at a position that is conserved across species. Functional studies demonstrate that the P89L variant is associated with decreased enzyme activity (Saavedra-Matiz et al., 2016). We interpret P89L as a pathogenic variant.

Eurofins Ntd Llc (ga)
Classification: Uncertain significance. Last evaluated: 2017-10-05. Review status: criteria provided, single submitter. Criteria: EGL Classification Definitions 2015. Collection method: clinical testing. Allele origin: germline. Observed: 1 variant allele, 1 heterozygote.

Counsyl
Classification: Uncertain significance for Galactosylceramide beta-galactosidase deficiency. Last evaluated: 2018-03-14. Review status: no assertion criteria provided. Collection method: clinical testing. Allele origin: unknown. Not counted in ClinVar's aggregate classification.

Literature cited by the submitters: PubMed 26795590 (cited by 4 submitters); PubMed 27638593 (cited by 4 submitters).

NM_000153.4(GALC):c.266C>T (p.Pro89Leu)

Gene: GALC (galactosylceramidase; minus strand). Cytogenetic location: 14q31.3.
Variant type: single nucleotide variant.
Coding change: c.266C>T on transcript NM_000153.4 (MANE Select); coding-DNA position 266, C replaced by T.
Protein change: p.Pro89Leu; replaces proline 89 with leucine.
Molecular consequence: missense variant.
Genome position (GRCh38, 1-based): chr14:87,988,206, G>A on the plus strand (C>T on the coding strand, the complement: GALC is on the minus strand). VCF-style: chr14-87988206-G-A. GRCh37 (hg19) VCF-style: chr14-88454550-G-A.
Other names: c.197C>T, p.Pro66Leu (NM_001201401.2); c.188C>T, p.Pro63Leu (NM_001201402.2); short protein forms P89L, P66L, P63L.
Identifiers: ClinVar variation 449966 (VCV000449966.51), dbSNP rs201422931, ClinGen allele CA7297441.
Genomic context (GRCh38, chr14:87,988,206, plus strand): 5'-GTTGTCTGCCCATCACCACCTATTTCCACTTTTAAAATATGCAAAGAGGCACCAAAATTC[G>A]GCTGTGAAAAGAAGTAACAGTATTAACATAGTGTTGTATTGTATGAAGCTTCAAGACAAT-3'
Protein context (NP_000144.2, residues 79-99): RSQILDYLFK[Pro89Leu]NFGASLHILK